The following is an entry in ClinVar:

ClinVar aggregate classification (germline): Uncertain significance (1 of 4 stars; one submission).

Conditions:
Early-infantile DEE. Also called: Early infantile epileptic encephalopathy with suppression bursts; Early infantile epileptic encephalopathy; Ohtahara syndrome. Identifiers: Orphanet 1934, MedGen C0393706, MONDO:0800491.

Allele frequency attached by ClinVar (database versions not stated): gnomAD exomes below 0.00001.
gnomAD v4.1: 2 of 1,614,216 alleles (0.00012%); highest among the groups gnomAD compares: Non-Finnish European, 0.00017%; no homozygotes.

Submission:

Labcorp Genetics (formerly Invitae), Labcorp
Classification: Uncertain significance for Early-infantile DEE. Last evaluated: 2023-07-25. Review status: criteria provided, single submitter. Criteria: Invitae Variant Classification Sherloc (09022015). Collection method: clinical testing. Allele origin: germline.
Comment: In summary, the available evidence is currently insufficient to determine the role of this variant in disease. Therefore, it has been classified as a Variant of Uncertain Significance. Advanced modeling of protein sequence and biophysical properties (such as structural, functional, and spatial information, amino acid conservation, physicochemical variation, residue mobility, and thermodynamic stability) has been performed at Invitae for this missense variant, however the output from this modeling did not meet the statistical confidence thresholds required to predict the impact of this variant on SPTAN1 protein function. This variant has not been reported in the literature in individuals affected with SPTAN1-related conditions. This variant is not present in population databases (gnomAD no frequency). This sequence change replaces histidine, which is basic and polar, with arginine, which is basic and polar, at codon 183 of the SPTAN1 protein (p.His183Arg).

NM_001130438.3(SPTAN1):c.548A>G (p.His183Arg)

Gene: SPTAN1 (spectrin alpha, non-erythrocytic 1; plus strand). Cytogenetic location: 9q34.11.
Variant type: single nucleotide variant.
Coding change: c.548A>G on transcript NM_001130438.3 (MANE Select); coding-DNA position 548, A replaced by G.
Protein change: p.His183Arg; replaces histidine 183 with arginine.
Molecular consequence: missense variant.
Genome position (GRCh38, 1-based): chr9:128,575,242, A>G. VCF-style: chr9-128575242-A-G. GRCh37 (hg19) VCF-style: chr9-131337521-A-G.
Other names: c.548A>G, p.His183Arg (NM_001195532.2, NM_001363759.2, NM_001363765.2 and 5 more transcripts); c.584A>G, p.His195Arg (NM_001375312.2, NM_001375318.1); short protein forms H195R, H183R.
Identifiers: ClinVar variation 2746856 (VCV002746856.3), dbSNP rs2541020951, ClinGen allele CA375053023.